The following is an entry in ClinVar:

NM_013263.5(BRD7):c.147C>G (p.Phe49Leu)

Gene: BRD7 (bromodomain containing 7; minus strand). Cytogenetic location: 16q12.1.
Variant type: single nucleotide variant.
Coding change: c.147C>G on transcript NM_013263.5 (MANE Select); coding-DNA position 147, C replaced by G.
Protein change: p.Phe49Leu; replaces phenylalanine 49 with leucine.
Molecular consequence: missense variant.
Genome position (GRCh38, 1-based): chr16:50,368,201, G>C on the plus strand (C>G on the coding strand, the complement: BRD7 is on the minus strand). VCF-style: chr16-50368201-G-C. GRCh37 (hg19) VCF-style: chr16-50402112-G-C.
Other names: c.147C>G, p.Phe49Leu (NM_001173984.4); short protein forms F49L.
Identifiers: ClinVar variation 2646508 (VCV002646508.24), dbSNP rs145220538, ClinGen allele CA8050306.

ClinVar aggregate classification (germline): Likely benign (1 of 4 stars; one submission).

Allele frequency attached by ClinVar (database versions not stated): 1000 Genomes Project 0.00100; 1000 Genomes Project 30x 0.00109; TOPMed 0.00174; ExAC 0.00180; gnomAD 0.00187; ESP Exome Variant Server 0.00246.
gnomAD v4.1: 5,000 of 1,614,116 alleles (0.31%); highest among the groups gnomAD compares: Non-Finnish European, 0.39%; 12 homozygotes.

Submission:

CeGaT Center for Human Genetics Tuebingen
Classification: Likely benign. Last evaluated: 2025-04-01. Review status: criteria provided, single submitter. Criteria: CeGaT Center For Human Genetics Tuebingen Variant Classification Criteria Version 2. Collection method: clinical testing. Allele origin: germline. Affected: yes. Observed: 3 variant alleles.
Comment: BRD7: BS1